The following is an entry in ClinVar:

NM_024652.6(LRRK1):c.1105G>A (p.Glu369Lys)

Gene: LRRK1 (leucine rich repeat kinase 1; plus strand). Cytogenetic location: 15q26.3.
Variant type: single nucleotide variant.
Coding change: c.1105G>A on transcript NM_024652.6 (MANE Select); coding-DNA position 1105, G replaced by A.
Protein change: p.Glu369Lys; replaces glutamic acid 369 with lysine.
Molecular consequence: missense variant.
Genome position (GRCh38, 1-based): chr15:101,010,565, G>A. VCF-style: chr15-101010565-G-A. GRCh37 (hg19) VCF-style: chr15-101550770-G-A.
Other names: c.1105G>A (NM_024652.5); short protein forms E369K.
Identifiers: ClinVar variation 1633834 (VCV001633834.10), dbSNP rs372847198, ClinGen allele CA7760788.
Genomic context (GRCh38, chr15:101,010,565, plus strand): 5'-TTGCACCTCTCAAAACTTCAAAAACTGACAGCTTCAAAAAATTGTTTAGAAAAATTGTTC[G>A]AAGAAGAAAATGGTATGTTTTCTCATCAACTTGAGTGAATTAGTCATTTTCTTCTTGGTA-3'
Protein context (NP_078928.3, residues 359-379): ASKNCLEKLF[Glu369Lys]EENATNWIGL

ClinVar aggregate classification (germline): Likely benign. Review status: criteria provided, single submitter (1 of 4 stars). 2 submissions from 2 submitters: Likely benign (1). 1 of the submissions does not count toward it. Last evaluated 2025-08-30.

Conditions:
LRRK1-related disorder. Also called: LRRK1-related condition.

Allele frequency attached by ClinVar (database versions not stated): gnomAD 0.00004 and 0.00026; TOPMed 0.00007; ESP Exome Variant Server 0.00009; 1000 Genomes Project 30x 0.00156; 1000 Genomes Project 0.00180.

Submissions (2):

Labcorp Genetics (formerly Invitae), Labcorp
Classification: Likely benign. Last evaluated: 2025-08-30. Review status: criteria provided, single submitter. Criteria: Invitae Variant Classification Sherloc (09022015). Collection method: clinical testing. Allele origin: germline.

PreventionGenetics, part of Exact Sciences
Classification: Likely benign for LRRK1-related condition. Last evaluated: 2019-06-27. Review status: no assertion criteria provided. Collection method: clinical testing. Allele origin: germline. Not counted in ClinVar's aggregate classification.
Comment: This variant is classified as likely benign based on ACMG/AMP sequence variant interpretation guidelines (Richards et al. 2015 PMID: 25741868, with internal and published modifications).